The following is an entry in ClinVar:

NM_000153.4(GALC):c.776C>G (p.Ser259Ter)

Gene: GALC (galactosylceramidase; minus strand). Cytogenetic location: 14q31.3.
Variant type: single nucleotide variant.
Coding change: c.776C>G on transcript NM_000153.4 (MANE Select); coding-DNA position 776, C replaced by G.
Protein change: p.Ser259Ter; replaces serine 259 with a stop codon.
Molecular consequence: nonsense. On other transcripts: non-coding transcript variant (1).
Genome position (GRCh38, 1-based): chr14:87,968,467, G>C on the plus strand (C>G on the coding strand, the complement: GALC is on the minus strand). VCF-style: chr14-87968467-G-C. GRCh37 (hg19) VCF-style: chr14-88434811-G-C.
Other names: c.707C>G, p.Ser236Ter (NM_001201401.2); c.698C>G, p.Ser233Ter (NM_001201402.2); c.608C>G, p.Ser203Ter (NM_001424071.1, NM_001424072.1, NM_001424073.1); c.428C>G, p.Ser143Ter (NM_001424074.1, NM_001424075.1); c.143C>G, p.Ser48Ter (NM_001424076.1, NM_001424077.1); short protein forms S143*, S203*, S233*, S236*, S259*, S48*.
Identifiers: ClinVar variation 4068211 (VCV004068211.2).
Genomic context (GRCh38, chr14:87,968,467, plus strand): 5'-AAAGTGCTAAAGTCTTCAGAAGACCAAAGCTTCTTCCCAGTCAACTTTGCATCTTTTGCT[G>C]AATGGGTTCCAGGATAATGAGCCCTAGAAAAAAAAAGGGTGGAAGTCAATGAAAAAAGGT-3'

ClinVar aggregate classification (germline): Likely pathogenic (1 of 4 stars; one submission).

Conditions:
Galactosylceramide beta-galactosidase deficiency. Also called: Leukodystrophy, Globoid Cell; Krabbe Disease; GALACTOCEREBROSIDASE DEFICIENCY; GALC DEFICIENCY; GLOBOID CELL LEUKOENCEPHALOPATHY. Identifiers: Orphanet 487, MedGen C0023521, MONDO:0009499, OMIM 245200.

Submission:

Natera, Inc.
Classification: Likely pathogenic for Galactosylceramide beta-galactosidase deficiency. Last evaluated: 2025-03-17. Review status: criteria provided, single submitter. Criteria: Natera Variant Classification Schema (03/2026). Collection method: clinical testing. Allele origin: germline.
Comment: The c.776C>G variant in GALC is a nonsense variant predicted to introduce a stop codon at amino acid 259. This variant is expected to result in nonsense mediated decay, truncation, or a dysfunctional protein product. This variant is rare in the general population with a frequency below the threshold expected for the associated phenotype(s). Given the available evidence, this variant is classified as Likely Pathogenic.